The following is an entry in ClinVar:

ClinVar aggregate classification (germline): Uncertain significance (1 of 4 stars; one submission).

gnomAD v4.1: 2 of 1,210,225 alleles (0.00017%); highest among the groups gnomAD compares: Non-Finnish European, 0.00022%; no homozygotes.

Submission:

GeneDx
Classification: Uncertain significance. Last evaluated: 2024-12-11. Review status: criteria provided, single submitter. Criteria: GeneDx Variant Classification Process June 2021. Collection method: clinical testing. Allele origin: germline. Affected: yes.
Comment: Not observed at significant frequency in large population cohorts (gnomAD); In silico analysis indicates that this missense variant does not alter protein structure/function; Has not been previously published as pathogenic or benign to our knowledge

NM_000489.6(ATRX):c.6019A>G (p.Thr2007Ala)

Gene: ATRX (ATRX chromatin remodeler; minus strand). Cytogenetic location: Xq21.1.
Variant type: single nucleotide variant.
Coding change: c.6019A>G on transcript NM_000489.6 (MANE Select); coding-DNA position 6019, A replaced by G.
Protein change: p.Thr2007Ala; replaces threonine 2007 with alanine.
Molecular consequence: missense variant.
Genome position (GRCh38, 1-based): chrX:77,593,787, T>C on the plus strand (A>G on the coding strand, the complement: ATRX is on the minus strand). VCF-style: chrX-77593787-T-C. GRCh37 (hg19) VCF-style: chrX-76849257-T-C.
Other names: c.5905A>G, p.Thr1969Ala (NM_138270.5); short protein forms T1969A, T2007A.
Identifiers: ClinVar variation 3903009 (VCV003903009.1).